The following is an entry in ClinVar:

ClinVar aggregate classification (germline): Uncertain significance (1 of 4 stars; one submission).

Conditions:
Hepatic methionine adenosyltransferase deficiency. Also called: Deficiency of methionine adenosyltransferase; Methionine adenosyltransferase deficiency; MAT I/III DEFICIENCY; Isolated Persistent Hypermethioninemia. Identifiers: Orphanet 168598, MedGen C0268621, MeSH C564683, MONDO:0009607, OMIM 250850.

Submission:

Labcorp Genetics (formerly Invitae), Labcorp
Classification: Uncertain significance for Hepatic methionine adenosyltransferase deficiency. Last evaluated: 2017-06-13. Review status: criteria provided, single submitter. Criteria: Invitae Variant Classification Sherloc (09022015). Collection method: clinical testing. Allele origin: germline.
Comment: In summary, this variant has uncertain impact on MAT1A function. The available evidence is currently insufficient to determine its role in disease. Therefore, it has been classified as a Variant of Uncertain Significance. Algorithms developed to predict the effect of missense changes on protein structure and function do not agree on the potential impact of this missense change (SIFT: "Deleterious"; PolyPhen-2: "Benign"; Align-GVGD: "Class C65"). This variant has not been reported in the literature in individuals with a MAT1A-related disease. This variant is not present in population databases (ExAC no frequency). This sequence change replaces serine with alanine at codon 114 of the MAT1A protein (p.Ser114Ala). The serine residue is highly conserved and there is a moderate physicochemical difference between serine and alanine.

NM_000429.3(MAT1A):c.340T>G (p.Ser114Ala)

Gene: MAT1A (methionine adenosyltransferase 1A; minus strand). Cytogenetic location: 10q22.3.
Variant type: single nucleotide variant.
Coding change: c.340T>G on transcript NM_000429.3 (MANE Select); coding-DNA position 340, T replaced by G.
Protein change: p.Ser114Ala; replaces serine 114 with alanine.
Molecular consequence: missense variant.
Genome position (GRCh38, 1-based): chr10:80,280,745, A>C on the plus strand (T>G on the coding strand, the complement: MAT1A is on the minus strand). VCF-style: chr10-80280745-A-C. GRCh37 (hg19) VCF-style: chr10-82040501-A-C.
Other names: short protein forms S114A.
Identifiers: ClinVar variation 459970 (VCV000459970.9), dbSNP rs761462996, ClinGen allele CA377363056.